The following is an entry in ClinVar:

NM_001134831.2(AHI1):c.2463_2464del (p.Asp821fs)

Gene: AHI1 (Abelson helper integration site 1; minus strand). Cytogenetic location: 6q23.3.
Variant type: Deletion.
Coding change: c.2463_2464del on transcript NM_001134831.2 (MANE Select); coding-DNA positions 2463 to 2464, 2 bases deleted (CA; older notation c.2463_2464delCA).
Protein change: p.Asp821fs; shifts the reading frame from aspartic acid 821.
Molecular consequence: frameshift variant.
Genome position (GRCh38, 1-based): chr6:135,429,910-135,429,911, TG deleted on the plus strand (CA on the coding strand, the reverse complement: AHI1 is on the minus strand); deleting any 2 consecutive bases within chr6:135,429,910-135,429,912 gives the same sequence; the c. name uses the placement nearest the transcript's 3' end. VCF-style (leftmost placement, unchanged base first): chr6-135429909-CTG-C. GRCh37 (hg19) VCF-style: chr6-135751047-CTG-C.
Other names: c.2463_2464del, p.Asp821fs (NM_001134830.2, NM_001134832.2, NM_001350503.2 and 2 more transcripts); short protein forms D821fs.
Identifiers: ClinVar variation 5019644 (VCV005019644.2).

ClinVar aggregate classification (germline): Likely pathogenic (1 of 4 stars; one submission).

Conditions:
Joubert syndrome 3 (JBTS3). Also called: AHI1-related Ciliopathy. Identifiers: Orphanet 220493, MedGen C1837713, MONDO:0012078, OMIM 608629.

Submission:

Juno Genomics, Hangzhou Juno Genomics, Inc
Classification: Likely pathogenic for Joubert syndrome 3. Review status: criteria provided, single submitter. Criteria: ACMG Guidelines, 2015. Collection method: clinical testing. Allele origin: germline.
Comment: Absent from controls (or at extremely low frequency if recessive) in Genome Aggregation Database.;Null variant in a gene where loss of function (LOF) is a known mechanism of disease.